The following is an entry in ClinVar:

NM_001267550.2(TTN):c.43502C>T (p.Thr14501Ile)

Gene: TTN (titin; minus strand). Cytogenetic location: 2q31.2.
Variant type: single nucleotide variant.
Coding change: c.43502C>T on transcript NM_001267550.2 (MANE Select); coding-DNA position 43502, C replaced by T.
Protein change: p.Thr14501Ile; replaces threonine 14501 with isoleucine.
Molecular consequence: missense variant.
Genome position (GRCh38, 1-based): chr2:178,632,392, G>A on the plus strand (C>T on the coding strand, the complement: TTN is on the minus strand). VCF-style: chr2-178632392-G-A. GRCh37 (hg19) VCF-style: chr2-179497119-G-A.
Other names: c.38579C>T, p.Thr12860Ile (NM_001256850.1); c.16307C>T, p.Thr5436Ile (NM_003319.4); c.35798C>T, p.Thr11933Ile (NM_133378.4); c.16682C>T, p.Thr5561Ile (NM_133432.3); c.16883C>T, p.Thr5628Ile (NM_133437.4); short protein forms T11933I, T12860I, T5628I, T5561I, T14501I, T5436I.
Identifiers: ClinVar variation 1776817 (VCV001776817.3), dbSNP rs115825044, ClinGen allele CA1995844.

ClinVar aggregate classification (germline): Uncertain significance. Review status: criteria provided, multiple submitters, no conflicts (2 of 4 stars). 2 submissions from 2 submitters: Uncertain significance (2). Last evaluated 2025-10-08.

Conditions:
Cardiovascular phenotype. Identifiers: MedGen CN230736.
TTN-related disorder. Also called: TTN-related disorders; TTN-related condition; TTN-related disease.

gnomAD v4.1: 3 of 1,593,002 alleles (0.00019%); highest among the groups gnomAD compares: Admixed American, 0.0035%; no homozygotes.

Submissions (2):

PreventionGenetics, part of Exact Sciences
Classification: Uncertain significance for TTN-related condition. Last evaluated: 2025-10-08. Review status: criteria provided, single submitter. Criteria: ACMG Guidelines, 2015. Collection method: clinical testing. Allele origin: germline.
Comment: The TTN c.43502C>T variant is predicted to result in the amino acid substitution p.Thr14501Ile. To our knowledge, this variant has not been reported in the literature or in a large population database (gnomAD), indicating this variant is rare. At this time, the clinical significance of this variant is uncertain due to the absence of conclusive functional and genetic evidence.

Ambry Genetics
Classification: Uncertain significance for Cardiovascular phenotype. Last evaluated: 2018-10-05. Review status: criteria provided, single submitter. Criteria: Ambry Variant Classification Scheme 2023. Collection method: clinical testing. Allele origin: germline.
Comment: The p.T5436I variant (also known as c.16307C>T), located in coding exon 63 of the TTN gene, results from a C to T substitution at nucleotide position 16307. The threonine at codon 5436 is replaced by isoleucine, an amino acid with similar properties. This amino acid position is not well conserved in available vertebrate species. In addition, this alteration is predicted to be tolerated by in silico analysis. Since supporting evidence is limited at this time, the clinical significance of this alteration remains unclear.